The following is an entry in ClinVar:

ClinVar aggregate classification (germline): Pathogenic/Likely pathogenic. Review status: criteria provided, multiple submitters, no conflicts (2 of 4 stars). 4 submissions from 4 submitters: Pathogenic (2); Likely pathogenic (2). Last evaluated 2025-11-18.

Conditions:
Spastic paraplegia, intellectual disability, nystagmus, and obesity. Also called: Spastic paraplegia, intellectual disability, nystagmus, and obesity;. Identifiers: Orphanet 521390, MedGen C4284592, MONDO:0015007, OMIM 617296.
KIDINS220-related disorder. Also called: KIDINS220-related condition.

Submissions (4):

PreventionGenetics, part of Exact Sciences
Classification: Pathogenic for KIDINS220-related condition. Last evaluated: 2025-11-18. Review status: criteria provided, single submitter. Criteria: ACMG Guidelines, 2015. Collection method: clinical testing. Allele origin: germline.
Comment: The KIDINS220 c.4417dupC variant is predicted to result in a frameshift and premature protein termination (p.Leu1473Profs*6). This variant has been reported de novo in an individual with autism spectrum disorder (Supplementary Data 3, Zhou et al. 2022. PubMed ID: 35982159). This variant has also been reported de novo in fetuses with KIDINS220-related phenotypes (PreventionGenetics, Internal Data). This variant has not been reported in a large population database (gnomAD), indicating this variant is rare. This variant is located in exon 30 of 30, and is expected to be pathogenic for autosomal dominant and recessive KIDINS220 associated disorders. This variant is interpreted as pathogenic.

Broad Center for Mendelian Genomics, Broad Institute of MIT and Harvard
Classification: Likely pathogenic for Spastic paraplegia, intellectual disability, nystagmus, and obesity. Last evaluated: 2023-05-02. Review status: criteria provided, single submitter. Criteria: ACMG Guidelines, 2015. Collection method: curation. Allele origin: germline. Inheritance: Autosomal dominant inheritance.
Comment: Trio exome analysis showed this variant to be de novo. The p.Leu1473ProfsTer6 variant in KIDINS220 has not been previously reported in the literature in individuals with spastic paraplegia, intellectual disability, nystagmus, and obesity. This variant has also been reported in ClinVar (Variation ID: 817641) and has been interpreted as pathogenic by GeneDx and as likely pathogenic by AiLife Diagnostics. This variant was absent from large population studies. This variant is predicted to cause a frameshift, which alters the protein‚Äôs amino acid sequence beginning at position 1473 and leads to a premature termination codon 6 amino acids downstream. This termination codon occurs within the last exon and is more likely to escape nonsense mediated decay (NMD) and result in a truncated protein. Heterozygous loss of function of the KIDINS220 gene is an established disease mechanism in autosomal dominant spastic paraplegia, intellectual disability, nystagmus, and obesity. In summary, although additional studies are required to fully establish its clinical significance, this variant is likely pathogenic for autosomal dominant spastic paraplegia, intellectual disability, nystagmus, and obesity. ACMG/AMP Criteria applied: PVS1_Strong, PS2_Supporting, PM2_Supporting (Richards 2015).

GeneDx
Classification: Pathogenic. Last evaluated: 2022-10-18. Review status: criteria provided, single submitter. Criteria: GeneDx Variant Classification Process June 2021. Collection method: clinical testing. Allele origin: germline. Affected: yes.
Comment: Frameshift variant in the C-terminus predicted to result in protein truncation, as the last 299 amino acids are lost and replaced with 5 incorrect amino acids; Not observed at significant frequency in large population cohorts (gnomAD); Has not been previously published as pathogenic or benign to our knowledge

AiLife Diagnostics
Classification: Likely pathogenic. Last evaluated: 2020-05-05. Review status: criteria provided, single submitter. Criteria: ACMG Guidelines, 2015. Collection method: clinical testing. Allele origin: de novo. Affected: yes. Observed: 1 variant allele.

NM_020738.4(KIDINS220):c.4417dup (p.Leu1473fs)

Gene: KIDINS220 (kinase D interacting substrate 220; minus strand). Cytogenetic location: 2p25.1.
Variant type: Duplication.
Coding change: c.4417dup on transcript NM_020738.4 (MANE Select); coding-DNA position 4417, one base duplicated (C; older notation c.4417dupC).
Protein change: p.Leu1473fs; shifts the reading frame from leucine 1473.
Molecular consequence: frameshift variant. On other transcripts: intron variant (6).
Genome position (GRCh38, 1-based): chr2:8,731,619, G duplicated on the plus strand (C on the coding strand, the reverse complement: KIDINS220 is on the minus strand); the first of 6 consecutive G bases (chr2:8,731,619-8,731,624); duplicating any one gives the same sequence. VCF-style (leftmost placement, unchanged base first): chr2-8731618-A-AG. GRCh37 (hg19) VCF-style: chr2-8871748-A-AG.
Other names: NM_020738.4(KIDINS220):c.4417dup; p.Leu1473fs; c.4417dupC (NM_020738.2); c.4420dup, p.Leu1474fs (NM_001348729.2); c.4363dup, p.Leu1455fs (NM_001348731.2); c.4360dup, p.Leu1454fs (NM_001348732.2); c.4249dup, p.Leu1417fs (NM_001348734.2); c.4246dup, p.Leu1416fs (NM_001348735.2); and 4 more; short protein forms L1417fs, L1374fs, L1455fs, L1473fs, L1474fs, L1416fs, L1454fs.
Identifiers: ClinVar variation 817641 (VCV000817641.7), dbSNP rs34141362, ClinGen allele CA42327805.
Genomic context (GRCh38, chr2:8,731,618, plus strand): 5'-CCTGGGAGAAGCTTACTGCCTGACTGATCTGATTTTTCATCTTCTTCAGTGATAGGATCC[A>AG]GGGGGGAAGCATCGTTGGTGGAAACCCCTGATGATGAATAATCGATAACATCTCCCCTCT-3'